The following is an entry in ClinVar:

NM_022124.6(CDH23):c.845G>A (p.Ser282Asn)

Gene: CDH23 (cadherin related 23; plus strand). Cytogenetic location: 10q22.1.
Variant type: single nucleotide variant.
Coding change: c.845G>A on transcript NM_022124.6 (MANE Select); coding-DNA position 845, G replaced by A.
Protein change: p.Ser282Asn; replaces serine 282 with asparagine.
Molecular consequence: missense variant.
Genome position (GRCh38, 1-based): chr10:71,615,516, G>A. VCF-style: chr10-71615516-G-A. GRCh37 (hg19) VCF-style: chr10-73375273-G-A.
Other names: c.845G>A, p.Ser282Asn (NM_001171930.2, NM_001171931.2, NM_001171932.2 and 1 more transcripts); short protein forms S282N.
Identifiers: ClinVar variation 1195935 (VCV001195935.10), dbSNP rs2132514962, ClinGen allele CA377121343.

ClinVar aggregate classification (germline): Uncertain significance. Review status: criteria provided, multiple submitters, no conflicts (2 of 4 stars). 3 submissions from 2 submitters: Uncertain significance (3). Last evaluated 2025-10-01.

Conditions:
Usher syndrome type 1D (USH1D). Also called: USHER SYNDROME, TYPE ID. Identifiers: Orphanet 231169, Orphanet 886, MedGen C1832845, MONDO:0010984, OMIM 601067.
Autosomal recessive nonsyndromic hearing loss 12. Also called: DEAFNESS, AUTOSOMAL RECESSIVE 12. Identifiers: Orphanet 90636, MedGen C1832394, MONDO:0011067, OMIM 601386.

Submissions (3):

CeGaT Center for Human Genetics Tuebingen
Classification: Uncertain significance. Last evaluated: 2025-10-01. Review status: criteria provided, single submitter. Criteria: CeGaT Center For Human Genetics Tuebingen Variant Classification Criteria Version 2. Collection method: clinical testing. Allele origin: germline. Affected: yes. Observed: 1 variant allele.
Comment: CDH23: PM2

Genome-Nilou Lab
Classification: Uncertain significance for Autosomal recessive nonsyndromic hearing loss 12. Last evaluated: 2021-07-14. Review status: criteria provided, single submitter. Criteria: ACMG Guidelines, 2015. Collection method: clinical testing. Allele origin: germline. Affected: no.

Genome-Nilou Lab
Classification: Uncertain significance for Usher syndrome type 1D. Last evaluated: 2021-07-14. Review status: criteria provided, single submitter. Criteria: ACMG Guidelines, 2015. Collection method: clinical testing. Allele origin: germline. Affected: no.